The following is an entry in ClinVar:

ClinVar aggregate classification (germline): Conflicting classifications of pathogenicity. Review status: criteria provided, conflicting classifications (1 of 4 stars). 4 submissions from 4 submitters: Uncertain significance (2); Likely benign (1). 1 of the submissions does not count toward it. Last evaluated 2026-07-01.

Conditions:
Neutropenia, severe congenital, 2, autosomal dominant. Identifiers: Orphanet 486, MedGen C2751288, MONDO:0013139, OMIM 613107.
GFI1-related disorder. Also called: GFI1-related condition.

Allele frequency attached by ClinVar (database versions not stated): ExAC 0.00003; gnomAD exomes 0.00004 and 0.00009; gnomAD 0.00007 and 0.00008; TOPMed 0.00013.
gnomAD v4.1: 140 of 1,613,290 alleles (0.0087%); highest among the groups gnomAD compares: Non-Finnish European, 0.01%; no homozygotes.

Submissions (4):

CeGaT Center for Human Genetics Tuebingen
Classification: Likely benign. Last evaluated: 2026-07-01. Review status: criteria provided, single submitter. Criteria: CeGaT Center For Human Genetics Tuebingen Variant Classification Criteria Version 2. Collection method: clinical testing. Allele origin: germline. Affected: yes. Observed: 1 variant allele.
Comment: GFI1: BS2

Labcorp Genetics (formerly Invitae), Labcorp
Classification: Uncertain significance for Neutropenia, severe congenital, 2, autosomal dominant. Last evaluated: 2025-12-03. Review status: criteria provided, single submitter. Criteria: Invitae Variant Classification Sherloc (09022015). Collection method: clinical testing. Allele origin: germline.
Comment: This sequence change replaces glutamine, which is neutral and polar, with glutamic acid, which is acidic and polar, at codon 17 of the GFI1 protein (p.Gln17Glu). This variant is present in population databases (rs750251158, gnomAD 0.04%). This variant has not been reported in the literature in individuals affected with GFI1-related conditions. ClinVar contains an entry for this variant (Variation ID: 1040579). An algorithm developed to predict the effect of missense changes on protein structure and function (PolyPhen-2) suggests that this variant is likely to be tolerated. In summary, the available evidence is currently insufficient to determine the role of this variant in disease. Therefore, it has been classified as a Variant of Uncertain Significance.

GeneDx
Classification: Uncertain significance. Last evaluated: 2019-04-22. Review status: criteria provided, single submitter. Criteria: GeneDx Variant Classification Process June 2021. Collection method: clinical testing. Allele origin: germline. Affected: yes.
Comment: In silico analysis, which includes protein predictors and evolutionary conservation, supports that this variant does not alter protein structure/function; Has not been previously published in a peer-reviewed publication as pathogenic or benign to our knowledge

PreventionGenetics, part of Exact Sciences
Classification: Uncertain significance for GFI1-related condition. Last evaluated: 2024-08-06. Review status: no assertion criteria provided. Collection method: clinical testing. Allele origin: germline. Not counted in ClinVar's aggregate classification.
Comment: The GFI1 c.49C>G variant is predicted to result in the amino acid substitution p.Gln17Glu. To our knowledge, this variant has not been reported in the literature. This variant is reported in 0.039% of alleles in individuals of Ashkenazi Jewish descent in gnomAD. At this time, the clinical significance of this variant is uncertain due to the absence of conclusive functional and genetic evidence.

NM_005263.5(GFI1):c.49C>G (p.Gln17Glu)

Gene: GFI1 (growth factor independent 1 transcriptional repressor; minus strand). Cytogenetic location: 1p22.1.
Variant type: single nucleotide variant.
Coding change: c.49C>G on transcript NM_005263.5 (MANE Select); coding-DNA position 49, C replaced by G.
Protein change: p.Gln17Glu; replaces glutamine 17 with glutamic acid.
Molecular consequence: missense variant.
Genome position (GRCh38, 1-based): chr1:92,483,439, G>C on the plus strand (C>G on the coding strand, the complement: GFI1 is on the minus strand). VCF-style: chr1-92483439-G-C. GRCh37 (hg19) VCF-style: chr1-92948996-G-C.
Other names: c.49C>G, p.Gln17Glu (NM_001127215.3, NM_001127216.3); short protein forms Q17E.
Identifiers: ClinVar variation 1040579 (VCV001040579.10), dbSNP rs750251158, ClinGen allele CA951515.